The following is an entry in ClinVar:

NM_020070.4(IGLL1):c.163C>T (p.Pro55Ser)

Gene: IGLL1 (immunoglobulin lambda like polypeptide 1; minus strand). Cytogenetic location: 22q11.23.
Variant type: single nucleotide variant.
Coding change: c.163C>T on transcript NM_020070.4 (MANE Select); coding-DNA position 163, C replaced by T.
Protein change: p.Pro55Ser; replaces proline 55 with serine.
Molecular consequence: missense variant.
Genome position (GRCh38, 1-based): chr22:23,580,028, G>A on the plus strand (C>T on the coding strand, the complement: IGLL1 is on the minus strand). VCF-style: chr22-23580028-G-A. GRCh37 (hg19) VCF-style: chr22-23922215-G-A.
Other names: c.163C>T, p.Pro55Ser (NM_001369906.1, NM_152855.3); short protein forms P55S.
Identifiers: ClinVar variation 1002499 (VCV001002499.8), dbSNP rs759845022, ClinGen allele CA10143419.

ClinVar aggregate classification (germline): Uncertain significance (1 of 4 stars; one submission).

Conditions:
Agammaglobulinemia 2, autosomal recessive (AGM2). Also called: AGAMMAGLOBULINEMIA, AUTOSOMAL RECESSIVE, DUE TO IGLL1 DEFECT. Identifiers: MedGen C3150750, MONDO:0013287, OMIM 613500.

Allele frequency attached by ClinVar (database versions not stated): gnomAD exomes below 0.00001; gnomAD 0.00001; ExAC 0.00007.

Submission:

Labcorp Genetics (formerly Invitae), Labcorp
Classification: Uncertain significance for Agammaglobulinemia 2, autosomal recessive. Last evaluated: 2023-08-04. Review status: criteria provided, single submitter. Criteria: Invitae Variant Classification Sherloc (09022015). Collection method: clinical testing. Allele origin: germline.
Comment: This sequence change replaces proline, which is neutral and non-polar, with serine, which is neutral and polar, at codon 55 of the IGLL1 protein (p.Pro55Ser). The frequency data for this variant in the population databases is considered unreliable, as metrics indicate poor data quality at this position in the gnomAD database. This variant has not been reported in the literature in individuals affected with IGLL1-related conditions. ClinVar contains an entry for this variant (Variation ID: 1002499). An algorithm developed to predict the effect of missense changes on protein structure and function (PolyPhen-2) suggests that this variant is likely to be tolerated. In summary, the available evidence is currently insufficient to determine the role of this variant in disease. Therefore, it has been classified as a Variant of Uncertain Significance.